The following is an entry in ClinVar:

NM_000368.5(TSC1):c.1251A>G (p.Thr417=)

Gene: TSC1 (TSC complex subunit 1; minus strand). Cytogenetic location: 9q34.13.
Variant type: single nucleotide variant.
Coding change: c.1251A>G on transcript NM_000368.5 (MANE Select); coding-DNA position 1251, A replaced by G.
Protein change: p.Thr417=; no amino-acid change (threonine 417 retained).
Molecular consequence: synonymous variant.
Genome position (GRCh38, 1-based): chr9:132,910,583, T>C on the plus strand (A>G on the coding strand, the complement: TSC1 is on the minus strand). VCF-style: chr9-132910583-T-C. GRCh37 (hg19) VCF-style: chr9-135785970-T-C.
Other names: c.1248A>G, p.Thr416= (NM_001162426.2); c.1098A>G, p.Thr366= (NM_001162427.2); c.888A>G, p.Thr296= (NM_001362177.2).
Identifiers: ClinVar variation 179768 (VCV000179768.28), dbSNP rs147127442, ClinGen allele CA004537.

ClinVar aggregate classification (germline): Benign/Likely benign. Review status: criteria provided, multiple submitters, no conflicts (2 of 4 stars). 10 submissions from 10 submitters: Benign (2); Likely benign (7). 1 of the submissions does not count toward it. Last evaluated 2025-12-18.

Conditions:
TSC1-related disorder. Also called: TSC1-related condition.
Tuberous sclerosis syndrome (TSC). Also called: Tuberous Sclerosis Complex; Tuberous sclerosis. Identifiers: Orphanet 805, MedGen C0041341, MONDO:0001734.
Hereditary cancer-predisposing syndrome. Also called: Hereditary neoplastic syndrome; Neoplastic Syndromes, Hereditary; Hereditary Cancer Syndrome; Tumor predisposition. Identifiers: Orphanet 140162, MedGen C0027672, MeSH D009386, MONDO:0015356.
Tuberous sclerosis 1 (TSC1). Identifiers: Orphanet 805, MedGen C1854465, MONDO:0008612, OMIM 191100.

Allele frequency attached by ClinVar (database versions not stated): gnomAD exomes below 0.00001 and 0.00001; ExAC 0.00001; TOPMed 0.00001; gnomAD 0.00002.
gnomAD v4.1: 9 of 1,613,652 alleles (0.00056%); highest among the groups gnomAD compares: African/African-American, 0.008%; no homozygotes.

Submissions (10):

Labcorp Genetics (formerly Invitae), Labcorp
Classification: Likely benign for Tuberous sclerosis 1. Last evaluated: 2025-12-18. Review status: criteria provided, single submitter. Criteria: Invitae Variant Classification Sherloc (09022015). Collection method: clinical testing. Allele origin: germline.

Myriad Genetics, Inc.
Classification: Benign for Tuberous sclerosis 1. Last evaluated: 2025-04-09. Review status: criteria provided, single submitter. Criteria: Myriad Autosomal Dominant, Autosomal Recessive and X-Linked Classification Criteria (2023). Collection method: clinical testing. Allele origin: unknown.
Comment: This variant is considered benign. This variant is a silent/synonymous amino acid change and it is not expected to impact splicing.

KCCC/NGS Laboratory, Kuwait Cancer Control Center
Classification: Benign for Tuberous sclerosis 1. Last evaluated: 2025-02-01. Review status: criteria provided, single submitter. Criteria: ACMG Guidelines, 2015. Collection method: clinical testing. Allele origin: germline. Affected: no.

Color Diagnostics, LLC DBA Color Health
Classification: Likely benign for Tuberous sclerosis syndrome. Last evaluated: 2022-11-06. Review status: criteria provided, single submitter. Criteria: ACMG Guidelines, 2015. Collection method: clinical testing. Allele origin: germline.

Ambry Genetics
Classification: Likely benign for Hereditary cancer-predisposing syndrome. Last evaluated: 2022-05-18. Review status: criteria provided, single submitter. Criteria: Ambry Variant Classification Scheme 2023. Collection method: clinical testing. Allele origin: germline.

Sema4
Classification: Likely benign for Hereditary cancer-predisposing syndrome. Last evaluated: 2022-02-14. Review status: criteria provided, single submitter. Criteria: Sema4 Curation Guidelines. Collection method: curation. Allele origin: germline.

Genome-Nilou Lab
Classification: Likely benign for Tuberous sclerosis 1. Last evaluated: 2021-11-07. Review status: criteria provided, single submitter. Criteria: ACMG Guidelines, 2015. Collection method: clinical testing. Allele origin: germline. Affected: no.

GeneDx
Classification: Likely benign. Last evaluated: 2021-04-13. Review status: criteria provided, single submitter. Criteria: GeneDx Variant Classification Process June 2021. Collection method: clinical testing. Allele origin: germline. Affected: yes.

Laboratory for Molecular Medicine, Mass General Brigham Personalized Medicine
Classification: Likely benign. Last evaluated: 2014-05-08. Review status: criteria provided, single submitter. Criteria: LMM Criteria. Collection method: clinical testing. Allele origin: germline. Observed: 1 variant allele.
Comment: Thr417Thr in exon 12 of TSC1: This variant is not expected to have clinical sign ificance because it does not alter an amino acid residue and is not located with in the splice consensus sequence.

PreventionGenetics, part of Exact Sciences
Classification: Likely benign for TSC1-related condition. Last evaluated: 2022-09-15. Review status: no assertion criteria provided. Collection method: clinical testing. Allele origin: germline. Not counted in ClinVar's aggregate classification.
Comment: This variant is classified as likely benign based on ACMG/AMP sequence variant interpretation guidelines (Richards et al. 2015 PMID: 25741868, with internal and published modifications).